The following is an entry in ClinVar:

ClinVar aggregate classification (germline): Likely pathogenic (1 of 4 stars; one submission).

Conditions:
Hereditary diffuse gastric adenocarcinoma (HDGC). Also called: DIFFUSE GASTRIC AND LOBULAR BREAST CANCER SYNDROME. Identifiers: Orphanet 26106, MedGen C1708349, MONDO:0007648, OMIM 137215.

Submission:

Labcorp Genetics (formerly Invitae), Labcorp
Classification: Likely pathogenic for Hereditary diffuse gastric adenocarcinoma. Last evaluated: 2020-02-14. Review status: criteria provided, single submitter. Criteria: Invitae Variant Classification Sherloc (09022015). Collection method: clinical testing. Allele origin: unknown.
Comment: In summary, the currently available evidence indicates that the variant is pathogenic, but additional data are needed to prove that conclusively. Therefore, this variant has been classified as Likely Pathogenic. Loss-of-function variants in CDH1 are known to be pathogenic (PMID: 15235021, 20373070). This variant has not been reported in the literature in individuals with CDH1-related conditions. This variant results in the deletion of part of exon 6 (c.809_833-567del) of the CDH1 gene. It is expected to disrupt RNA splicing and likely results in an absent or disrupted protein product.

Literature cited by the submitters: PubMed 15235021; PubMed 20373070.

NC_000016.9:g.(?_68844221)_(68845020_?)del

Gene: CDH1 (cadherin 1; plus strand). Cytogenetic location: 16q22.1.
Variant type: Deletion.
Identifiers: ClinVar variation 3243404 (VCV003243404.1).